The following is an entry in ClinVar:

ClinVar aggregate classification (germline): Likely benign. Review status: criteria provided, single submitter (1 of 4 stars). 2 submissions from 2 submitters: Likely benign (1). 1 of the submissions does not count toward it. Last evaluated 2017-10-26.

Conditions:
MYT1L-related disorder. Also called: MYT1L-related condition.

Allele frequency attached by ClinVar (database versions not stated): gnomAD 0.00002; gnomAD exomes 0.00002; ExAC 0.00002; TOPMed 0.00002; ESP Exome Variant Server 0.00008.
gnomAD v4.1: 32 of 1,613,880 alleles (0.002%); highest among the groups gnomAD compares: Non-Finnish European, 0.0025%; no homozygotes.

Submissions (2):

Labcorp Genetics (formerly Invitae), Labcorp
Classification: Likely benign. Last evaluated: 2017-10-26. Review status: criteria provided, single submitter. Criteria: Invitae Variant Classification Sherloc (09022015). Collection method: clinical testing. Allele origin: germline.

PreventionGenetics, part of Exact Sciences
Classification: Likely benign for MYT1L-related condition. Last evaluated: 2019-10-28. Review status: no assertion criteria provided. Collection method: clinical testing. Allele origin: germline. Not counted in ClinVar's aggregate classification.
Comment: This variant is classified as likely benign based on ACMG/AMP sequence variant interpretation guidelines (Richards et al. 2015 PMID: 25741868, with internal and published modifications).

NM_001303052.2(MYT1L):c.651C>T (p.Tyr217=)

Gene: MYT1L (myelin transcription factor 1 like; minus strand). Cytogenetic location: 2p25.3.
Variant type: single nucleotide variant.
Coding change: c.651C>T on transcript NM_001303052.2 (MANE Select); coding-DNA position 651, C replaced by T.
Protein change: p.Tyr217=; no amino-acid change (tyrosine 217 retained).
Molecular consequence: synonymous variant.
Genome position (GRCh38, 1-based): chr2:1,923,118, G>A on the plus strand (C>T on the coding strand, the complement: MYT1L is on the minus strand). VCF-style: chr2-1923118-G-A. GRCh37 (hg19) VCF-style: chr2-1926890-G-A.
Other names: c.651C>T, p.Tyr217= (NM_001329844.2, NM_001329845.1, NM_001329846.3 and 6 more transcripts); c.651C>T (NM_001303052.1).
Identifiers: ClinVar variation 728528 (VCV000728528.5), dbSNP rs373803074, ClinGen allele CA1514363.